The following is an entry in ClinVar:

ClinVar aggregate classification (germline): Pathogenic (1 of 4 stars; one submission).

Submission:

Quest Diagnostics Nichols Institute San Juan Capistrano
Classification: Pathogenic. Last evaluated: 2023-07-13. Review status: criteria provided, single submitter. Criteria: ACMG/ClinGen CNV Guidelines, 2019. Collection method: clinical testing. Allele origin: unknown.
Comment: This loss involves several protein-coding genes, including TCF12 (OMIM 600480). Haploinsufficiency of TCF12 is associated with autosomal dominant craniosynostosis 3 (OMIM 615314; CCID:007983). Deletions within and similar to the current interval have been described in individuals with various phenotypes (Davis 2020, Goos 2016, Le Tanno 2014, Lee 2018, Piard 2015, Sharma 2013, Yoon 2020). Therefore, this copy number variant (CNV) is classified as pathogenic. References: Davis et al., Hum Mol Genet. 2020 Aug 11;29(14):2435-2450. PMID: 32620954; Goos et al., Hum Mutat. 2016 Aug;37(8):732-6. PMID: 27158814; Le Tanno et al., Am J Med Genet A. 2014 Jun;164A(6):1530-6. PMID: 24648389; Lee et al., Genet Med. 2018 Sep;20(9):1061-1068. PMID: 29215649; Piard et al., Am J Med Genet A. 2015 Aug;167A(8):1897-901. PMID: 25871887; Sharma et al., Nat Genet. 2013 Mar;45(3):304-7. PMID: 23354436; Yoon et al., Neurosurgery. 2020 Aug 1;87(2):294-302. PMID: 31754721

GRCh37/hg19 15q21.3(chr15:54281939-58773686)x1

Genes: ALDH1A2 (aldehyde dehydrogenase 1 family member A2; minus strand), AQP9 (aquaporin 9; plus strand), CCPG1 (cell cycle progression 1; minus strand), CGNL1 (cingulin like 1; plus strand), DNAAF4 (dynein axonemal assembly factor 4; minus strand) and 16 more. Cytogenetic location: 15q21.3.
Variant type: copy number loss.
Change: copy number 1 (one copy instead of two) of chr15:54,281,939-58,773,686 (4.49 Mb, GRCh37 coordinates, 1-based), cytogenetic band 15q21.3.
Identifiers: ClinVar variation 3391924 (VCV003391924.1).